The following is an entry in ClinVar:

ClinVar aggregate classification (germline): Uncertain significance (1 of 4 stars; one submission).

Conditions:
FG syndrome (FGS). Identifiers: MedGen C0220769, MONDO:0002010.

Submission:

Labcorp Genetics (formerly Invitae), Labcorp
Classification: Uncertain significance for FG syndrome. Last evaluated: 2022-03-14. Review status: criteria provided, single submitter. Criteria: Invitae Variant Classification Sherloc (09022015). Collection method: clinical testing. Allele origin: germline.
Comment: In summary, the available evidence is currently insufficient to determine the role of this variant in disease. Therefore, it has been classified as a Variant of Uncertain Significance. Algorithms developed to predict the effect of sequence changes on RNA splicing suggest that this variant may disrupt the consensus splice site. This variant has not been reported in the literature in individuals affected with MED12-related conditions. This variant is not present in population databases (gnomAD no frequency). This sequence change falls in intron 16 of the MED12 gene. It does not directly change the encoded amino acid sequence of the MED12 protein.

NM_005120.3(MED12):c.2372-17_2372-6del

Gene: MED12 (mediator complex subunit 12; plus strand). Cytogenetic location: Xq13.1.
Variant type: Deletion.
Coding change: c.2372-17_2372-6del on transcript NM_005120.3 (MANE Select); 17 bases into the intron before coding-DNA position 2372 through 6 bases into the intron before coding-DNA position 2372, 12 bases deleted (ATTCCCCCCCTC).
Molecular consequence: intron variant.
Genome position (GRCh38, 1-based): chrX:71,125,646-71,125,657, ATTCCCCCCCTC deleted; deleting any 12 consecutive bases within chrX:71,125,638-71,125,657 gives the same sequence; the c. name uses the placement nearest the transcript's 3' end. VCF-style (leftmost placement, unchanged base first): chrX-71125637-TCCCCCCTCATTC-T. GRCh37 (hg19) VCF-style: chrX-70345487-TCCCCCCTCATTC-T.
Identifiers: ClinVar variation 2413291 (VCV002413291.8), dbSNP rs2519680367, ClinGen allele CA2579638694.